The following is an entry in ClinVar:

ClinVar aggregate classification (germline): Benign. Review status: criteria provided, multiple submitters, no conflicts (2 of 4 stars). 7 submissions from 7 submitters: Benign (7). Last evaluated 2026-02-01.

Conditions:
Arthrogryposis, renal dysfunction, and cholestasis 1 (ARCS1). Identifiers: Orphanet 2697, MedGen C1859722, MONDO:0008822, OMIM 208085.

Allele frequency attached by ClinVar (database versions not stated): gnomAD exomes 0.00426 and 0.00155; 1000 Genomes Project 0.01218; ExAC 0.00545; gnomAD 0.01537 and 0.01658; TOPMed 0.01838; 1000 Genomes Project 30x 0.01359; ESP Exome Variant Server 0.01986.
gnomAD v4.1: 4,693 of 1,614,106 alleles (0.29%); highest among the groups gnomAD compares: African/African-American, 5.6%; 122 homozygotes.

Submissions (7):

Labcorp Genetics (formerly Invitae), Labcorp
Classification: Benign. Last evaluated: 2026-02-01. Review status: criteria provided, single submitter. Criteria: Invitae Variant Classification Sherloc (09022015). Collection method: clinical testing. Allele origin: germline.

Mayo Clinic Laboratories, Mayo Clinic
Classification: Benign. Last evaluated: 2024-01-07. Review status: criteria provided, single submitter. Criteria: ACMG Guidelines, 2015. Collection method: clinical testing. Allele origin: germline. Observed: 18 variant alleles.

Fulgent Genetics
Classification: Benign for Arthrogryposis, renal dysfunction, and cholestasis 1. Last evaluated: 2021-10-07. Review status: criteria provided, single submitter. Criteria: ACMG Guidelines, 2015. Collection method: clinical testing. Allele origin: unknown.

GeneDx
Classification: Benign. Last evaluated: 2020-12-12. Review status: criteria provided, single submitter. Criteria: GeneDx Variant Classification Process June 2021. Collection method: clinical testing. Allele origin: germline. Affected: yes.

Illumina Laboratory Services, Illumina
Classification: Benign for Arthrogryposis, renal dysfunction, and cholestasis 1. Last evaluated: 2018-01-12. Review status: criteria provided, single submitter. Criteria: ICSL Variant Classification Criteria 13 December 2019. Collection method: clinical testing. Allele origin: germline.
Comment: This variant was observed in the ICSL laboratory as part of a predisposition screen in an ostensibly healthy population. It had not been previously curated by ICSL or reported in the Human Gene Mutation Database (HGMD: prior to June 1st, 2018), and was therefore a candidate for classification through an automated scoring system. Utilizing variant allele frequency, disease prevalence and penetrance estimates, and inheritance mode, an automated score was calculated to assess if this variant is too frequent to cause the disease. Based on the score and internal cut-off values, a variant classified as benign is not then subjected to further curation. The score for this variant resulted in a classification of benign for this disease.

Breakthrough Genomics
Classification: Benign. Review status: criteria provided, single submitter. Criteria: ACMG Guidelines, 2015. Collection method: not provided. Allele origin: germline. Inheritance: Autosomal recessive inheritance. Affected: yes.

PreventionGenetics, part of Exact Sciences
Classification: Benign. Review status: criteria provided, single submitter. Criteria: ACMG Guidelines, 2015. Collection method: clinical testing. Allele origin: germline.

NM_018668.5(VPS33B):c.597C>T (p.Cys199=)

Gene: VPS33B (VPS33B late endosome and lysosome associated; minus strand). Cytogenetic location: 15q26.1.
Variant type: single nucleotide variant.
Coding change: c.597C>T on transcript NM_018668.5 (MANE Select); coding-DNA position 597, C replaced by T.
Protein change: p.Cys199=; no amino-acid change (cysteine 199 retained).
Molecular consequence: synonymous variant.
Genome position (GRCh38, 1-based): chr15:91,007,475, G>A on the plus strand (C>T on the coding strand, the complement: VPS33B is on the minus strand). VCF-style: chr15-91007475-G-A. GRCh37 (hg19) VCF-style: chr15-91550705-G-A.
Other names: p.Cys199=; c.516C>T, p.Cys172= (NM_001289148.1); c.324C>T, p.Cys108= (NM_001289149.1).
Identifiers: ClinVar variation 261046 (VCV000261046.20), dbSNP rs60198611, ClinGen allele CA7744993.
Genomic context (GRCh38, chr15:91,007,475, plus strand): 5'-ACAGAACAGGGAAAACAGCGTCTGCTGGGACAACAGTACTGCTAGTGCTCTTACCTTGGC[G>A]CACCTGCCAATTCCATAGCAGTTTGGAAAGGGTCCATAGAGAGTGCTGAGAAGGTGTAAG-3'
Protein context (NP_061138.3, residues 189-209): PFPNCYGIGR[Cys199=]AKMAYELWRN